The following is an entry in ClinVar:

ClinVar aggregate classification (germline): Uncertain significance (1 of 4 stars; one submission).

Conditions:
Familial focal epilepsy with variable foci (FPEVF). Identifiers: Orphanet 98820, MedGen C1858477, MONDO:0020310.

Allele frequency attached by ClinVar (database versions not stated): gnomAD 0.00001.
gnomAD v4.1: 1 of 1,614,080 alleles (0.000062%); highest among the groups gnomAD compares: African/African-American, 0.0013%; no homozygotes.

Submission:

Labcorp Genetics (formerly Invitae), Labcorp
Classification: Uncertain significance for Familial focal epilepsy with variable foci. Last evaluated: 2022-11-01. Review status: criteria provided, single submitter. Criteria: Invitae Variant Classification Sherloc (09022015). Collection method: clinical testing. Allele origin: germline.
Comment: In summary, the available evidence is currently insufficient to determine the role of this variant in disease. Therefore, it has been classified as a Variant of Uncertain Significance. Algorithms developed to predict the effect of missense changes on protein structure and function are either unavailable or do not agree on the potential impact of this missense change (SIFT: "Deleterious"; PolyPhen-2: "Not Available"; Align-GVGD: "Class C0"). This variant has not been reported in the literature in individuals affected with DEPDC5-related conditions. This variant is present in population databases (no rsID available, gnomAD 0.01%). This sequence change replaces glutamine, which is neutral and polar, with lysine, which is basic and polar, at codon 648 of the DEPDC5 protein (p.Gln648Lys).

NM_001242896.3(DEPDC5):c.1942C>A (p.Gln648Lys)

Gene: DEPDC5 (DEP domain containing 5, GATOR1 subcomplex subunit; plus strand). Cytogenetic location: 22q12.3.
Variant type: single nucleotide variant.
Coding change: c.1942C>A on transcript NM_001242896.3 (MANE Select); coding-DNA position 1942, C replaced by A.
Protein change: p.Gln648Lys; replaces glutamine 648 with lysine.
Molecular consequence: missense variant. On other transcripts: non-coding transcript variant (4), intron variant (3).
Genome position (GRCh38, 1-based): chr22:31,821,573, C>A. VCF-style: chr22-31821573-C-A. GRCh37 (hg19) VCF-style: chr22-32217559-C-A.
Other names: c.1942C>A, p.Gln648Lys (NM_001136029.4, NM_001363852.2, NM_001364318.2 and 3 more transcripts); c.1858C>A, p.Gln620Lys (NM_001369901.1, NM_001369902.1); c.1870+2348C>A (NM_001363854.2, NM_001242897.2, NM_001364319.2); short protein forms Q620K, Q648K.
Identifiers: ClinVar variation 2811270 (VCV002811270.3), dbSNP rs1464429513, ClinGen allele CA411281953.